The following is an entry in ClinVar:

ClinVar aggregate classification (germline): Pathogenic. Review status: criteria provided, multiple submitters, no conflicts (2 of 4 stars). 2 submissions from 2 submitters: Pathogenic (2). Last evaluated 2024-12-14.

Conditions:
ABCA4-related disorder. Also called: ABCA4-related disorders; ABCA4-related condition. Identifiers: MedGen CN239167.

gnomAD v4.1: 1 of 1,589,432 alleles (0.000063%); highest among the groups gnomAD compares: Non-Finnish European, 0.000086%; no homozygotes.

Submissions (2):

Labcorp Genetics (formerly Invitae), Labcorp
Classification: Pathogenic. Last evaluated: 2024-12-14. Review status: criteria provided, single submitter. Criteria: Invitae Variant Classification Sherloc (09022015). Collection method: clinical testing. Allele origin: germline.
Comment: This sequence change falls in intron 14 of the ABCA4 gene. It does not directly change the encoded amino acid sequence of the ABCA4 protein. RNA analysis indicates that this variant induces altered splicing and likely results in a shortened protein product. This variant is not present in population databases (gnomAD no frequency). This variant has been observed in individual(s) with Stargardt disease and retinal dystrophy (PMID: 28771251, 31397521; internal data). In at least one individual the data is consistent with being in trans (on the opposite chromosome) from a pathogenic variant. ClinVar contains an entry for this variant (Variation ID: 957729). Studies have shown that this variant results in skipping of exon 15, but is expected to preserve the integrity of the reading-frame (PMID: 31397521). For these reasons, this variant has been classified as Pathogenic.

Blueprint Genetics
Classification: Pathogenic for ABCA4-related disorders. Last evaluated: 2022-11-28. Review status: criteria provided, single submitter. Criteria: ACMG Guidelines, 2015. Collection method: clinical testing. Allele origin: germline. Affected: yes. Observed: 1 variant allele.

Literature cited by the submitters: PubMed 28771251 (cited by Labcorp Genetics (formerly Invitae), Labcorp); PubMed 31397521 (cited by Labcorp Genetics (formerly Invitae), Labcorp).

NM_000350.3(ABCA4):c.2161-8G>A

Gene: ABCA4 (ATP binding cassette subfamily A member 4; minus strand). Cytogenetic location: 1p22.1.
Variant type: single nucleotide variant.
Coding change: c.2161-8G>A on transcript NM_000350.3 (MANE Select); 8 bases into the intron before coding-DNA position 2161, G replaced by A.
Molecular consequence: intron variant.
Genome position (GRCh38, 1-based): chr1:94,056,830, C>T on the plus strand (G>A on the coding strand, the complement: ABCA4 is on the minus strand). VCF-style: chr1-94056830-C-T. GRCh37 (hg19) VCF-style: chr1-94522386-C-T.
Identifiers: ClinVar variation 957729 (VCV000957729.8), dbSNP rs1660996754, ClinGen allele CA645372174.